The following is an entry in ClinVar:

NM_003500.4(ACOX2):c.992+6G>A

Gene: ACOX2 (acyl-CoA oxidase 2; minus strand). Cytogenetic location: 3p14.3.
Variant type: single nucleotide variant.
Coding change: c.992+6G>A on transcript NM_003500.4 (MANE Select); 6 bases into the intron after coding-DNA position 992, G replaced by A.
Molecular consequence: intron variant.
Genome position (GRCh38, 1-based): chr3:58,530,460, C>T on the plus strand (G>A on the coding strand, the complement: ACOX2 is on the minus strand). VCF-style: chr3-58530460-C-T. GRCh37 (hg19) VCF-style: chr3-58516187-C-T.
Identifiers: ClinVar variation 2821579 (VCV002821579.3), dbSNP rs753683458, ClinGen allele CA2472209.

ClinVar aggregate classification (germline): Uncertain significance (1 of 4 stars; one submission).

Allele frequency attached by ClinVar (database versions not stated): TOPMed 0.00001.

Submission:

Labcorp Genetics (formerly Invitae), Labcorp
Classification: Uncertain significance. Last evaluated: 2023-11-11. Review status: criteria provided, single submitter. Criteria: Invitae Variant Classification Sherloc (09022015). Collection method: clinical testing. Allele origin: germline.
Comment: This sequence change falls in intron 8 of the ACOX2 gene. It does not directly change the encoded amino acid sequence of the ACOX2 protein. It affects a nucleotide within the consensus splice site. This variant is present in population databases (rs753683458, gnomAD 0.009%). This variant has not been reported in the literature in individuals affected with ACOX2-related conditions. Variants that disrupt the consensus splice site are a relatively common cause of aberrant splicing (PMID: 17576681, 9536098). Algorithms developed to predict the effect of sequence changes on RNA splicing suggest that this variant may disrupt the consensus splice site. In summary, the available evidence is currently insufficient to determine the role of this variant in disease. Therefore, it has been classified as a Variant of Uncertain Significance.

Literature cited by the submitters: PubMed 17576681; PubMed 9536098.